The following is an entry in ClinVar:

NM_005051.3(QARS1):c.1081C>T (p.Arg361Ter)

Gene: QARS1 (glutaminyl-tRNA synthetase 1; minus strand). Cytogenetic location: 3p21.31.
Variant type: single nucleotide variant.
Coding change: c.1081C>T on transcript NM_005051.3 (MANE Select); coding-DNA position 1081, C replaced by T.
Protein change: p.Arg361Ter; replaces arginine 361 with a stop codon.
Molecular consequence: nonsense. On other transcripts: non-coding transcript variant (1).
Genome position (GRCh38, 1-based): chr3:49,100,273, G>A on the plus strand (C>T on the coding strand, the complement: QARS1 is on the minus strand). VCF-style: chr3-49100273-G-A. GRCh37 (hg19) VCF-style: chr3-49137706-G-A.
Other names: c.1048C>T, p.Arg350Ter (NM_001272073.2); short protein forms R350*, R361*.
Identifiers: ClinVar variation 941594 (VCV000941594.6), dbSNP rs751537797, ClinGen allele CA2391884.

ClinVar aggregate classification (germline): Pathogenic (1 of 4 stars; one submission).

Conditions:
Diffuse cerebral and cerebellar atrophy - intractable seizures - progressive microcephaly syndrome. Also called: Microcephaly, progressive, with seizures and cerebral and cerebellar atrophy. Identifiers: Orphanet 404437, MedGen C4014239, MONDO:0014335, OMIM 615760.

Allele frequency attached by ClinVar (database versions not stated): ExAC 0.00001; gnomAD 0.00001; gnomAD exomes 0.00001; TOPMed 0.00002.
gnomAD v4.1: 22 of 1,614,080 alleles (0.0014%); highest among the groups gnomAD compares: South Asian, 0.0055%; no homozygotes.

Submission:

Labcorp Genetics (formerly Invitae), Labcorp
Classification: Pathogenic for Diffuse cerebral and cerebellar atrophy - intractable seizures - progressive microcephaly syndrome. Last evaluated: 2022-08-31. Review status: criteria provided, single submitter. Criteria: Invitae Variant Classification Sherloc (09022015). Collection method: clinical testing. Allele origin: germline.
Comment: This variant is present in population databases (rs751537797, gnomAD 0.006%). For these reasons, this variant has been classified as Pathogenic. Algorithms developed to predict the effect of sequence changes on RNA splicing suggest that this variant may create or strengthen a splice site. ClinVar contains an entry for this variant (Variation ID: 941594). This variant has not been reported in the literature in individuals affected with QARS-related conditions. This sequence change creates a premature translational stop signal (p.Arg361*) in the QARS gene. It is expected to result in an absent or disrupted protein product. Loss-of-function variants in QARS are known to be pathogenic (PMID: 24656866, 25471517).

Literature cited by the submitters: PubMed 24656866; PubMed 25471517.